The following is an entry in ClinVar:

ClinVar aggregate classification (germline): Uncertain significance (1 of 4 stars; one submission).

Conditions:
Inborn genetic diseases. Identifiers: MedGen C0950123, MeSH D030342.

gnomAD v4.1: 1 of 1,614,020 alleles (0.000062%); highest among the groups gnomAD compares: Non-Finnish European, 0.000085%; no homozygotes.

Submission:

Ambry Genetics
Classification: Uncertain significance for Inborn genetic diseases. Last evaluated: 2025-09-11. Review status: criteria provided, single submitter. Criteria: Ambry Variant Classification Scheme 2023. Collection method: clinical testing. Allele origin: germline.
Comment: The p.D100Y variant (also known as c.298G>T), located in coding exon 4 of the FANCA gene, results from a G to T substitution at nucleotide position 298. The aspartic acid at codon 100 is replaced by tyrosine, an amino acid with highly dissimilar properties. This amino acid position is conserved. In addition, the in silico prediction for this alteration is inconclusive. Based on the available evidence, the clinical significance of this variant remains unclear.

NM_000135.4(FANCA):c.298G>T (p.Asp100Tyr)

Gene: FANCA (FA complementation group A; minus strand). Cytogenetic location: 16q24.3.
Variant type: single nucleotide variant.
Coding change: c.298G>T on transcript NM_000135.4 (MANE Select); coding-DNA position 298, G replaced by T.
Protein change: p.Asp100Tyr; replaces aspartic acid 100 with tyrosine.
Molecular consequence: missense variant.
Genome position (GRCh38, 1-based): chr16:89,811,057, C>A on the plus strand (G>T on the coding strand, the complement: FANCA is on the minus strand). VCF-style: chr16-89811057-C-A. GRCh37 (hg19) VCF-style: chr16-89877465-C-A.
Other names: c.298G>T, p.Asp100Tyr (NM_001018112.3, NM_001286167.3, NM_001351830.2); short protein forms D100Y.
Identifiers: ClinVar variation 4254351 (VCV004254351.1).
Genomic context (GRCh38, chr16:89,811,057, plus strand): 5'-TAGAGGCAACCATCCCGGCTGAGAGAATACCCACGGGAACCCCCAGCCTTGAGGCTTGAT[C>A]CTGCAAAGCAGAGCCTTAAACACAAAACAAAACCATAGCTTTCTCTTAACACATGAGACA-3'
Protein context (NP_000126.2, residues 90-110): SSSFIGSALQ[Asp100Tyr]QASRLGVPVG